The following is an entry in ClinVar:

ClinVar aggregate classification (germline): Uncertain significance. Review status: criteria provided, multiple submitters, no conflicts (2 of 4 stars). 5 submissions from 5 submitters: Uncertain significance (3). 2 of the submissions do not count toward it. Last evaluated 2025-03-27.

Conditions:
BBS12-related disorder. Also called: BBS12-related condition.
Bardet-Biedl syndrome 12 (BBS12). Identifiers: Orphanet 110, MedGen C1859570, MONDO:0014440, OMIM 615989.
Bardet-Biedl syndrome (BBS). Identifiers: Orphanet 110, MedGen C0752166, MONDO:0015229.
Inborn genetic diseases. Identifiers: MedGen C0950123, MeSH D030342.

Allele frequency attached by ClinVar (database versions not stated): gnomAD exomes 0.00002 and 0.00003; TOPMed 0.00002; ExAC 0.00003; gnomAD 0.00003.
gnomAD v4.1: 39 of 1,607,586 alleles (0.0024%); highest among the groups gnomAD compares: Non-Finnish European, 0.0022%; no homozygotes.

Submissions (5):

Ambry Genetics
Classification: Uncertain significance for Inborn genetic diseases. Last evaluated: 2025-03-27. Review status: criteria provided, single submitter. Criteria: Ambry Variant Classification Scheme 2023. Collection method: clinical testing. Allele origin: germline.

Fulgent Genetics
Classification: Uncertain significance for Bardet-Biedl syndrome 12. Last evaluated: 2024-03-22. Review status: criteria provided, single submitter. Criteria: ACMG Guidelines, 2015. Collection method: clinical testing. Allele origin: germline.

Labcorp Genetics (formerly Invitae), Labcorp
Classification: Uncertain significance for Bardet-Biedl syndrome. Last evaluated: 2023-08-04. Review status: criteria provided, single submitter. Criteria: Invitae Variant Classification Sherloc (09022015). Collection method: clinical testing. Allele origin: germline.
Comment: This sequence change replaces asparagine, which is neutral and polar, with serine, which is neutral and polar, at codon 644 of the BBS12 protein (p.Asn644Ser). This variant is present in population databases (rs777615072, gnomAD 0.01%). This variant has not been reported in the literature in individuals affected with BBS12-related conditions. ClinVar contains an entry for this variant (Variation ID: 853200). Advanced modeling of protein sequence and biophysical properties (such as structural, functional, and spatial information, amino acid conservation, physicochemical variation, residue mobility, and thermodynamic stability) performed at Invitae indicates that this missense variant is not expected to disrupt BBS12 protein function. In summary, the available evidence is currently insufficient to determine the role of this variant in disease. Therefore, it has been classified as a Variant of Uncertain Significance.

PreventionGenetics, part of Exact Sciences
Classification: Uncertain significance for BBS12-related condition. Last evaluated: 2024-08-06. Review status: no assertion criteria provided. Collection method: clinical testing. Allele origin: germline. Not counted in ClinVar's aggregate classification.
Comment: The BBS12 c.1931A>G variant is predicted to result in the amino acid substitution p.Asn644Ser. To our knowledge, this variant has not been reported in the literature. This variant is reported in 0.012% of alleles in individuals of European (Finnish) descent in gnomAD. At this time, the clinical significance of this variant is uncertain due to the absence of conclusive functional and genetic evidence.

Natera, Inc.
Classification: Uncertain significance for Bardet-Biedl syndrome type 12. Last evaluated: 2021-06-07. Review status: no assertion criteria provided. Collection method: clinical testing. Allele origin: germline. Not counted in ClinVar's aggregate classification.

NM_152618.3(BBS12):c.1931A>G (p.Asn644Ser)

Gene: BBS12 (Bardet-Biedl syndrome 12; plus strand). Cytogenetic location: 4q27.
Variant type: single nucleotide variant.
Coding change: c.1931A>G on transcript NM_152618.3 (MANE Select); coding-DNA position 1931, A replaced by G.
Protein change: p.Asn644Ser; replaces asparagine 644 with serine.
Molecular consequence: missense variant.
Genome position (GRCh38, 1-based): chr4:122,743,823, A>G. VCF-style: chr4-122743823-A-G. GRCh37 (hg19) VCF-style: chr4-123664978-A-G.
Other names: c.1931A>G, p.Asn644Ser (NM_001178007.2); short protein forms N644S.
Identifiers: ClinVar variation 853200 (VCV000853200.9), dbSNP rs777615072, ClinGen allele CA3069536.
Genomic context (GRCh38, chr4:122,743,823, plus strand): 5'-AAAATGCCACAGACTCTGGCTCTCCTTCATCTTACATCTTGAATGAATATAGTAAACTAA[A>G]TAGTAGAATTTTTAATTCAGACATTTCAAATAAACTGGAGCAGATTCCGAGAGTTTATGA-3'
Protein context (NP_689831.2, residues 634-654): SYILNEYSKL[Asn644Ser]SRIFNSDISN